The following is an entry in ClinVar:

ClinVar aggregate classification (germline): Likely benign (1 of 4 stars; one submission).

Conditions:
Dyskeratosis congenita. Identifiers: Orphanet 1775, MedGen C0265965, MONDO:0015780.

Allele frequency attached by ClinVar (database versions not stated): 1000 Genomes Project 30x 0.00547; 1000 Genomes Project 0.00579; TOPMed 0.01100.

Submission:

Illumina Laboratory Services, Illumina
Classification: Likely benign for Dyskeratosis congenita. Last evaluated: 2018-01-13. Review status: criteria provided, single submitter. Criteria: ICSL Variant Classification Criteria 13 December 2019. Collection method: clinical testing. Allele origin: germline.
Comment: This variant was observed in the ICSL laboratory as part of a predisposition screen in an ostensibly healthy population. It had not been previously curated by ICSL or reported in the Human Gene Mutation Database (HGMD: prior to June 1st, 2018), and was therefore a candidate for classification through an automated scoring system. Utilizing variant allele frequency, disease prevalence and penetrance estimates, and inheritance mode, an automated score was calculated to assess if this variant is too frequent to cause the disease. Based on the score and internal cut-off values, a variant classified as likely benign is not then subjected to further curation. The score for this variant resulted in a classification of likely benign for this disease.

NM_025099.6(CTC1):c.*1477G>A

Gene: CTC1 (CST telomere replication complex component 1; minus strand). Cytogenetic location: 17p13.1.
Variant type: single nucleotide variant.
Coding change: c.*1477G>A on transcript NM_025099.6 (MANE Select); 1477 bases downstream of the stop codon, G replaced by A.
Molecular consequence: 3 prime UTR variant. On other transcripts: non-coding transcript variant (1).
Genome position (GRCh38, 1-based): chr17:8,226,703, C>T on the plus strand (G>A on the coding strand, the complement: CTC1 is on the minus strand). VCF-style: chr17-8226703-C-T. GRCh37 (hg19) VCF-style: chr17-8130021-C-T.
Identifiers: ClinVar variation 888764 (VCV000888764.4), dbSNP rs112336268, ClinGen allele CA287527637.